The following is an entry in ClinVar:

NM_006254.4(PRKCD):c.1260+6C>T

Gene: PRKCD (protein kinase C delta; plus strand). Cytogenetic location: 3p21.1.
Variant type: single nucleotide variant.
Coding change: c.1260+6C>T on transcript NM_006254.4 (MANE Select); 6 bases into the intron after coding-DNA position 1260, C replaced by T.
Molecular consequence: intron variant.
Genome position (GRCh38, 1-based): chr3:53,186,346, C>T. VCF-style: chr3-53186346-C-T. GRCh37 (hg19) VCF-style: chr3-53220362-C-T.
Other names: c.1260+6C>T (NM_001354680.2, NM_001354679.2, NM_212539.2 and 2 more transcripts); c.1317+6C>T (NM_001354676.2); c.1308+6C>T (NM_001354678.2).
Identifiers: ClinVar variation 474765 (VCV000474765.30), dbSNP rs180706867, ClinGen allele CA2452118.

ClinVar aggregate classification (germline): Benign. Review status: criteria provided, multiple submitters, no conflicts (2 of 4 stars). 4 submissions from 4 submitters: Benign (3). 1 of the submissions does not count toward it. Last evaluated 2026-03-01.

Conditions:
PRKCD-related disorder. Also called: PRKCD-related condition.
Autoimmune lymphoproliferative syndrome, type III caused by mutation in PRKCD. Identifiers: Orphanet 3261, Orphanet 664711, MedGen C3809928, MONDO:8000024, OMIM 615559.

Allele frequency attached by ClinVar (database versions not stated): 1000 Genomes Project 30x 0.00078; 1000 Genomes Project 0.00100; TOPMed 0.00122; ESP Exome Variant Server 0.00123; gnomAD exomes 0.00129 and 0.00271; gnomAD 0.00252 and 0.00270; ExAC 0.00253.
gnomAD v4.1: 2,272 of 1,613,848 alleles (0.14%); highest among the groups gnomAD compares: East Asian, 0.18%; 17 homozygotes.

Submissions (4):

CeGaT Center for Human Genetics Tuebingen
Classification: Benign. Last evaluated: 2026-03-01. Review status: criteria provided, single submitter. Criteria: CeGaT Center For Human Genetics Tuebingen Variant Classification Criteria Version 2. Collection method: clinical testing. Allele origin: germline. Affected: yes. Observed: 2 variant alleles.
Comment: PRKCD: BP4, BS1, BS2

Labcorp Genetics (formerly Invitae), Labcorp
Classification: Benign for Autoimmune lymphoproliferative syndrome, type III caused by mutation in PRKCD. Last evaluated: 2026-01-21. Review status: criteria provided, single submitter. Criteria: Invitae Variant Classification Sherloc (09022015). Collection method: clinical testing. Allele origin: germline.

ARUP Laboratories, Molecular Genetics and Genomics, ARUP Laboratories
Classification: Benign for Autoimmune lymphoproliferative syndrome, type III caused by mutation in PRKCD. Last evaluated: 2018-09-05. Review status: criteria provided, single submitter. Criteria: ARUP Molecular Germline Variant Investigation Process. Collection method: clinical testing. Allele origin: germline.

PreventionGenetics, part of Exact Sciences
Classification: Likely benign for PRKCD-related condition. Last evaluated: 2019-04-08. Review status: no assertion criteria provided. Collection method: clinical testing. Allele origin: germline. Not counted in ClinVar's aggregate classification.
Comment: This variant is classified as likely benign based on ACMG/AMP sequence variant interpretation guidelines (Richards et al. 2015 PMID: 25741868, with internal and published modifications).